The following is an entry in ClinVar:

ClinVar aggregate classification (germline): Uncertain significance. Review status: criteria provided, multiple submitters, no conflicts (2 of 4 stars). 2 submissions from 2 submitters: Uncertain significance (2). Last evaluated 2025-06-25.

Conditions:
Hyperkalemic periodic paralysis. Also called: Familial hyperkalemic periodic paralysis; Gamstorp disease. Identifiers: Orphanet 682, MedGen C0238357, MONDO:0008224, OMIM 170500, HP:0007215.

Allele frequency attached by ClinVar (database versions not stated): gnomAD exomes below 0.00001; gnomAD 0.00001.
gnomAD v4.1: 7 of 1,613,782 alleles (0.00043%); highest among the groups gnomAD compares: East Asian, 0.0067%; no homozygotes.

Submissions (2):

Revvity Omics, Revvity
Classification: Uncertain significance. Last evaluated: 2025-06-25. Review status: criteria provided, single submitter. Criteria: ACMG Guidelines, 2015. Collection method: clinical testing. Allele origin: germline.

Labcorp Genetics (formerly Invitae), Labcorp
Classification: Uncertain significance for Hyperkalemic periodic paralysis. Last evaluated: 2023-06-29. Review status: criteria provided, single submitter. Criteria: Invitae Variant Classification Sherloc (09022015). Collection method: clinical testing. Allele origin: germline.
Comment: Advanced modeling of protein sequence and biophysical properties (such as structural, functional, and spatial information, amino acid conservation, physicochemical variation, residue mobility, and thermodynamic stability) performed at Invitae indicates that this missense variant is not expected to disrupt SCN4A protein function. This variant has not been reported in the literature in individuals affected with SCN4A-related conditions. This variant is not present in population databases (gnomAD no frequency). This sequence change replaces lysine, which is basic and polar, with arginine, which is basic and polar, at codon 1748 of the SCN4A protein (p.Lys1748Arg). In summary, the available evidence is currently insufficient to determine the role of this variant in disease. Therefore, it has been classified as a Variant of Uncertain Significance.

NM_000334.4(SCN4A):c.5243A>G (p.Lys1748Arg)

Genes: SCN4A (sodium voltage-gated channel alpha subunit 4; minus strand), GH-LCR (growth hormone locus control region; plus strand). Cytogenetic location: 17q23.3.
Variant type: single nucleotide variant.
Coding change: c.5243A>G on transcript NM_000334.4 (MANE Select); coding-DNA position 5243, A replaced by G.
Protein change: p.Lys1748Arg; replaces lysine 1748 with arginine.
Molecular consequence: missense variant.
Genome position (GRCh38, 1-based): chr17:63,941,039, T>C on the plus strand (A>G on the coding strand, the complement: SCN4A is on the minus strand). VCF-style: chr17-63941039-T-C. GRCh37 (hg19) VCF-style: chr17-62018399-T-C.
Other names: short protein forms K1748R.
Identifiers: ClinVar variation 2744424 (VCV002744424.4), dbSNP rs1908507689, ClinGen allele CA400613256.
Genomic context (GRCh38, chr17:63,941,039, plus strand): 5'-TTCTCAGGGGCGTCATCCCCGCTGCCGTCGTGGCTGTGGCGGTACATGTAGGATGCCTGC[T>C]TCATGGAGCGCTGTAGCAGGTGCCGGCGGTAGGCCCTCTGGATCTTGATGGCGCACACCT-3'
Protein context (NP_000325.4, residues 1738-1758): YRRHLLQRSM[Lys1748Arg]QASYMYRHSH